The following is an entry in ClinVar:

NM_001034853.2(RPGR):c.548C>T (p.Pro183Leu)

Gene: RPGR (retinitis pigmentosa GTPase regulator; minus strand). Cytogenetic location: Xp11.4.
Variant type: single nucleotide variant.
Coding change: c.548C>T on transcript NM_001034853.2 (MANE Select); coding-DNA position 548, C replaced by T.
Protein change: p.Pro183Leu; replaces proline 183 with leucine.
Molecular consequence: missense variant. On other transcripts: non-coding transcript variant (5).
Genome position (GRCh38, 1-based): chrX:38,317,387, G>A on the plus strand (C>T on the coding strand, the complement: RPGR is on the minus strand). VCF-style: chrX-38317387-G-A. GRCh37 (hg19) VCF-style: chrX-38176640-G-A.
Other names: c.578C>T, p.Pro193Leu (NM_001367248.1); c.545C>T, p.Pro182Leu (NM_001367249.1); c.548C>T, p.Pro183Leu (NM_001367250.1, NM_001367251.1, NM_000328.3 and 3 more transcripts); short protein forms P182L, P183L, P193L.
Identifiers: ClinVar variation 4074410 (VCV004074410.2).

ClinVar aggregate classification (germline): Uncertain significance (1 of 4 stars; one submission).

Submission:

GeneDx
Classification: Uncertain significance. Last evaluated: 2026-10-01. Review status: criteria provided, single submitter. Criteria: GeneDx Variant Classification Process June 2021. Collection method: clinical testing. Allele origin: germline.
Comment: In silico analysis supports that this missense variant has a deleterious effect on protein structure/function; Not observed at significant frequency in large population cohorts (gnomAD); This variant is associated with the following publications: (PMID: 36460718)